The following is an entry in ClinVar:

ClinVar aggregate classification (germline): Likely benign. Review status: criteria provided, multiple submitters, no conflicts (2 of 4 stars). 3 submissions from 3 submitters: Likely benign (3). Last evaluated 2026-01-31.

Conditions:
DK1-congenital disorder of glycosylation. Also called: CONGENITAL DISORDER OF GLYCOSYLATION, TYPE Im; CDG Im; DK1 DEFICIENCY; DOLICHOL KINASE DEFICIENCY; DK1-CDG; DOLK-congenital disorder of glycosylation. Identifiers: Orphanet 91131, MedGen C1835849, MONDO:0012556, OMIM 610768.
Cardiovascular phenotype. Identifiers: MedGen CN230736.

Allele frequency attached by ClinVar (database versions not stated): gnomAD exomes below 0.00001; TOPMed 0.00001.

Submissions (3):

Labcorp Genetics (formerly Invitae), Labcorp
Classification: Likely benign for DK1-congenital disorder of glycosylation. Last evaluated: 2026-01-31. Review status: criteria provided, single submitter. Criteria: Invitae Variant Classification Sherloc (09022015). Collection method: clinical testing. Allele origin: germline.

Ambry Genetics
Classification: Likely benign for Cardiovascular phenotype. Last evaluated: 2021-06-15. Review status: criteria provided, single submitter. Criteria: Ambry Variant Classification Scheme 2023. Collection method: clinical testing. Allele origin: germline.

GeneDx
Classification: Likely benign. Last evaluated: 2016-12-29. Review status: criteria provided, single submitter. Criteria: GeneDx Variant Classification (06012015). Collection method: clinical testing. Allele origin: germline. Affected: yes.
Comment: This variant is considered likely benign or benign based on one or more of the following criteria: it is a conservative change, it occurs at a poorly conserved position in the protein, it is predicted to be benign by multiple in silico algorithms, and/or has population frequency not consistent with disease.

NM_014908.4(DOLK):c.919C>T (p.Leu307=)

Gene: DOLK (dolichol kinase; minus strand). Cytogenetic location: 9q34.11.
Variant type: single nucleotide variant.
Coding change: c.919C>T on transcript NM_014908.4 (MANE Select); coding-DNA position 919, C replaced by T.
Protein change: p.Leu307=; no amino-acid change (leucine 307 retained).
Molecular consequence: synonymous variant.
Genome position (GRCh38, 1-based): chr9:128,946,385, G>A on the plus strand (C>T on the coding strand, the complement: DOLK is on the minus strand). VCF-style: chr9-128946385-G-A. GRCh37 (hg19) VCF-style: chr9-131708664-G-A.
Identifiers: ClinVar variation 392258 (VCV000392258.14), dbSNP rs927774250, ClinGen allele CA16605625.